The following is an entry in ClinVar:

ClinVar aggregate classification (germline): Uncertain significance (1 of 4 stars; one submission).

Conditions:
Early-infantile DEE. Also called: Early infantile epileptic encephalopathy; Early infantile epileptic encephalopathy with suppression bursts; Ohtahara syndrome. Identifiers: Orphanet 1934, MedGen C0393706, MONDO:0800491.

Allele frequency attached by ClinVar (database versions not stated): ExAC 0.00001; gnomAD exomes 0.00001.
gnomAD v4.1: 12 of 1,614,238 alleles (0.00074%); highest among the groups gnomAD compares: Non-Finnish European, 0.00093%; no homozygotes.

Submission:

Labcorp Genetics (formerly Invitae), Labcorp
Classification: Uncertain significance for Early-infantile DEE. Last evaluated: 2022-12-12. Review status: criteria provided, single submitter. Criteria: Invitae Variant Classification Sherloc (09022015). Collection method: clinical testing. Allele origin: germline.
Comment: In summary, the available evidence is currently insufficient to determine the role of this variant in disease. Therefore, it has been classified as a Variant of Uncertain Significance. Algorithms developed to predict the effect of missense changes on protein structure and function (SIFT, PolyPhen-2, Align-GVGD) all suggest that this variant is likely to be tolerated. This variant has not been reported in the literature in individuals affected with SPTAN1-related conditions. This variant is present in population databases (rs766271485, gnomAD 0.0009%). This sequence change replaces asparagine, which is neutral and polar, with serine, which is neutral and polar, at codon 712 of the SPTAN1 protein (p.Asn712Ser).

NM_001130438.3(SPTAN1):c.2135A>G (p.Asn712Ser)

Gene: SPTAN1 (spectrin alpha, non-erythrocytic 1; plus strand). Cytogenetic location: 9q34.11.
Variant type: single nucleotide variant.
Coding change: c.2135A>G on transcript NM_001130438.3 (MANE Select); coding-DNA position 2135, A replaced by G.
Protein change: p.Asn712Ser; replaces asparagine 712 with serine.
Molecular consequence: missense variant.
Genome position (GRCh38, 1-based): chr9:128,583,911, A>G. VCF-style: chr9-128583911-A-G. GRCh37 (hg19) VCF-style: chr9-131346190-A-G.
Other names: c.2135A>G, p.Asn712Ser (NM_001363759.2, NM_001363765.2, NM_001375310.1 and 5 more transcripts); c.2171A>G, p.Asn724Ser (NM_001375312.2, NM_001375318.1); short protein forms N724S, N712S.
Identifiers: ClinVar variation 2729843 (VCV002729843.3), dbSNP rs766271485, ClinGen allele CA5264574.